The following is an entry in ClinVar:

ClinVar aggregate classification (germline): Uncertain significance (1 of 4 stars; one submission).

Conditions:
Emery-Dreifuss muscular dystrophy 4, autosomal dominant (EDMD4). Also called: EMERY-DREIFUSS MUSCULAR DYSTROPHY 4 WITH VARIABLE FEATURES. Identifiers: Orphanet 261, MedGen C2751807, MONDO:0013071, OMIM 612998.
Autosomal recessive ataxia, Beauce type. Also called: SYNE1-Related Autosomal Recessive Cerebellar Ataxia; Spinocerebellar ataxia, autosomal recessive 8; ATAXIA, RECESSIVE, OF BEAUCE; SYNE1 Deficiency. Identifiers: Orphanet 88644, MedGen C1853116, MONDO:0012549, OMIM 610743.

Allele frequency attached by ClinVar (database versions not stated): ExAC 0.00001; gnomAD exomes 0.00001; TOPMed 0.00002.
gnomAD v4.1: 5 of 1,613,860 alleles (0.00031%); highest among the groups gnomAD compares: Admixed American, 0.0033%; no homozygotes.

Submission:

Labcorp Genetics (formerly Invitae), Labcorp
Classification: Uncertain significance for Emery-Dreifuss muscular dystrophy 4, autosomal dominant; Autosomal recessive ataxia, Beauce type. Last evaluated: 2023-10-03. Review status: criteria provided, single submitter. Criteria: Invitae Variant Classification Sherloc (09022015). Collection method: clinical testing. Allele origin: germline.
Comment: This sequence change replaces threonine, which is neutral and polar, with isoleucine, which is neutral and non-polar, at codon 774 of the SYNE1 protein (p.Thr774Ile). This variant is present in population databases (rs750186803, gnomAD 0.006%). This variant has not been reported in the literature in individuals affected with SYNE1-related conditions. ClinVar contains an entry for this variant (Variation ID: 1404255). An algorithm developed to predict the effect of missense changes on protein structure and function (PolyPhen-2) suggests that this variant is likely to be disruptive. In summary, the available evidence is currently insufficient to determine the role of this variant in disease. Therefore, it has been classified as a Variant of Uncertain Significance.

NM_182961.4(SYNE1):c.2300C>T (p.Thr767Ile)

Gene: SYNE1 (spectrin repeat containing nuclear envelope protein 1; minus strand). Cytogenetic location: 6q25.2.
Variant type: single nucleotide variant.
Coding change: c.2300C>T on transcript NM_182961.4 (MANE Select); coding-DNA position 2300, C replaced by T.
Protein change: p.Thr767Ile; replaces threonine 767 with isoleucine.
Molecular consequence: missense variant.
Genome position (GRCh38, 1-based): chr6:152,461,691, G>A on the plus strand (C>T on the coding strand, the complement: SYNE1 is on the minus strand). VCF-style: chr6-152461691-G-A. GRCh37 (hg19) VCF-style: chr6-152782826-G-A.
Other names: c.2321C>T, p.Thr774Ile (NM_033071.5); short protein forms T767I, T774I.
Identifiers: ClinVar variation 1404255 (VCV001404255.6), dbSNP rs750186803, ClinGen allele CA4059169.